The following is an entry in ClinVar:

NM_001005373.4(LRSAM1):c.1924C>T (p.Pro642Ser)

Gene: LRSAM1 (leucine rich repeat and sterile alpha motif containing 1; plus strand). Cytogenetic location: 9q34.11.
Variant type: single nucleotide variant.
Coding change: c.1924C>T on transcript NM_001005373.4 (MANE Select); coding-DNA position 1924, C replaced by T.
Protein change: p.Pro642Ser; replaces proline 642 with serine.
Molecular consequence: missense variant. On other transcripts: non-coding transcript variant (2).
Genome position (GRCh38, 1-based): chr9:127,501,021, C>T. VCF-style: chr9-127501021-C-T. GRCh37 (hg19) VCF-style: chr9-130263300-C-T.
Other names: c.1924C>T, p.Pro642Ser (NM_001005374.4, NM_001384142.1, NM_138361.5); c.1843C>T, p.Pro615Ser (NM_001190723.3); c.1825C>T, p.Pro609Ser (NM_001384143.1); c.1135C>T, p.Pro379Ser (NM_001384144.1); short protein forms P379S, P609S, P615S, P642S.
Identifiers: ClinVar variation 4848885 (VCV004848885.1).

ClinVar aggregate classification (germline): Uncertain significance (1 of 4 stars; one submission).

Submission:

Women's Health and Genetics/Laboratory Corporation of America, LabCorp
Classification: Uncertain significance. Last evaluated: 2026-04-06. Review status: criteria provided, single submitter. Criteria: LabCorp Variant Classification Summary - May 2015. Collection method: clinical testing. Allele origin: germline.
Comment: Variant summary: LRSAM1 c.1924C>T (p.Pro642Ser) results in a non-conservative amino acid change in the encoded protein sequence. Algorithms developed to predict the effect of missense changes on protein structure and function are either unavailable or do not agree on the potential impact of this missense change. The variant was absent in 251314 control chromosomes. The available data on variant occurrences in the general population are insufficient to allow any conclusion about variant significance. To our knowledge, no occurrence of c.1924C>T in individuals affected with LRSAM1-related conditions and no experimental evidence demonstrating its impact on protein function have been reported. No submitters have cited clinical-significance assessments for this variant to ClinVar. Based on the evidence outlined above, the variant was classified as uncertain significance.